The following is an entry in ClinVar:

NM_000080.4(CHRNE):c.293T>C (p.Leu98Pro)

Genes: C17orf107 (chromosome 17 open reading frame 107; plus strand), CHRNE (cholinergic receptor nicotinic epsilon subunit; minus strand). Cytogenetic location: 17p13.2.
Variant type: single nucleotide variant.
Coding change: c.293T>C on transcript NM_000080.4 (MANE Select); coding-DNA position 293, T replaced by C.
Protein change: p.Leu98Pro; replaces leucine 98 with proline.
Molecular consequence: missense variant. On other transcripts: 3 prime UTR variant (1).
Genome position (GRCh38, 1-based): chr17:4,902,268, A>G on the plus strand (T>C on the coding strand, the complement: CHRNE is on the minus strand). VCF-style: chr17-4902268-A-G. GRCh37 (hg19) VCF-style: chr17-4805563-A-G.
Other names: c.*1735A>G (NM_001145536.2); short protein forms L98P.
Identifiers: ClinVar variation 534249 (VCV000534249.38), dbSNP rs28929768, ClinGen allele CA8314523.

ClinVar aggregate classification (germline): Pathogenic/Likely pathogenic. Review status: criteria provided, multiple submitters, no conflicts (2 of 4 stars). 7 submissions from 7 submitters: Pathogenic (3); Likely pathogenic (4). Last evaluated 2025-12-12.

Conditions:
Congenital myasthenic syndrome 4C (CMS4C). Also called: Myasthenic syndrome, congenital, associated with acetylcholine receptor deficiency. Identifiers: Orphanet 590, MedGen C1837091, MONDO:0012157, OMIM 608931.
Congenital myasthenic syndrome (CMS). Also called: Congenital Myasthenic Syndromes. Identifiers: Orphanet 590, MedGen C0751882, MeSH D020294, MONDO:0018940.
Congenital myasthenic syndrome 4A. Also called: CONGENITAL MYASTHENIC SYNDROME TYPE Ia1; Myasthenic syndrome, congenital, 4a, slow-channel; MYASTHENIC SYNDROME, CONGENITAL, 4A, SLOW-CHANNEL, AUTOSOMAL RECESSIVE. Identifiers: Orphanet 590, MedGen C4225413, MONDO:0011600, OMIM 605809.

Allele frequency attached by ClinVar (database versions not stated): gnomAD exomes 0.00001 and 0.00002; ExAC 0.00002.
gnomAD v4.1: 10 of 1,614,060 alleles (0.00062%); highest among the groups gnomAD compares: South Asian, 0.011%; no homozygotes.

Submissions (7):

Women's Health and Genetics/Laboratory Corporation of America, LabCorp
Classification: Pathogenic for Congenital myasthenic syndrome. Last evaluated: 2025-12-12. Review status: criteria provided, single submitter. Criteria: LabCorp Variant Classification Summary - May 2015. Collection method: clinical testing. Allele origin: germline.
Comment: Variant summary: CHRNE c.293T>C (p.Leu98Pro) results in a non-conservative amino acid change in the encoded protein sequence. Algorithms developed to predict the effect of missense changes on protein structure and function all suggest that this variant is likely to be disruptive. The variant allele was found at a frequency of 1.6e-05 in 251486 control chromosomes. c.293T>C has been observed in the homozygous or presumed compound heterozygous states in multiple individuals affected with autosomal recessive Congenital Myasthenic Syndrome (example, Croxen)2002, Garg_2022, Polavarapu_2024, Labcorp Genetics (formerly Invitae)). These data indicate that the variant is very likely to be associated with disease. At least one publication reports experimental evidence evaluating an impact on protein function. The most pronounced variant effect results in a significantly lengthened burst response in an in vitro assay of channel function (example, Croxen_2002). The following publications have been ascertained in the context of this evaluation (PMID: 15907919, 14592868, 12141316, 15951177, 19688192, 15229798, 35466404, 29478601, 15034283, 20222328, 15367858, 16685696, 37721175, 37946251, 19153382, 30124556, 15731194). ClinVar contains an entry for this variant (Variation ID: 534249). To our knowledge, this variant has not been reported in individuals with autosomal dominant CHRNE-related conditions. Based on the evidence outlined above, the variant was classified as pathogenic for autosomal recessive Congenital Myasthenic Syndrome.

Natera, Inc.
Classification: Likely pathogenic for Congenital myasthenic syndrome. Last evaluated: 2025-09-17. Review status: criteria provided, single submitter. Criteria: Natera Variant Classification Schema (03/2026). Collection method: clinical testing. Allele origin: germline.
Comment: The c.293T>C variant in CHRNE is a missense variant predicted to cause substitution of leucine to proline at amino acid 98. This variant is rare in the general population with a frequency below the threshold expected for the associated phenotype(s). This variant has been observed in one or more individuals affected with the associated recessive disease, as either homozygous or compound heterozygous with a second variant (PMID: 37721175, 37946251). Additionally, this variant has been observed to segregate in affected family members (PMID: 30124556). Computational prediction algorithms indicate this variant is likely to affect gene or protein function. Given the available evidence, this variant is classified as Likely Pathogenic.

GeneDx
Classification: Likely pathogenic. Last evaluated: 2024-11-14. Review status: criteria provided, single submitter. Criteria: GeneDx Variant Classification Process June 2021. Collection method: clinical testing. Allele origin: germline. Affected: yes.
Comment: In silico analysis, which includes protein predictors and evolutionary conservation, supports a deleterious effect; This variant is associated with the following publications: (PMID: 12141316, 19153382, 30124556)

Baylor Genetics
Classification: Likely pathogenic for Congenital myasthenic syndrome 4A. Last evaluated: 2024-03-19. Review status: criteria provided, single submitter. Criteria: ACMG Guidelines, 2015. Collection method: clinical testing. Allele origin: unknown.

Labcorp Genetics (formerly Invitae), Labcorp
Classification: Pathogenic for Congenital myasthenic syndrome 4A. Last evaluated: 2024-02-17. Review status: criteria provided, single submitter. Criteria: Invitae Variant Classification Sherloc (09022015). Collection method: clinical testing. Allele origin: germline.
Comment: This sequence change replaces leucine, which is neutral and non-polar, with proline, which is neutral and non-polar, at codon 98 of the CHRNE protein (p.Leu98Pro). This variant is present in population databases (rs28929768, gnomAD 0.01%). This missense change has been observed in individual(s) with autosomal recessive congenital myasthenic syndrome (PMID: 30124556; Invitae). In at least one individual the data is consistent with being in trans (on the opposite chromosome) from a pathogenic variant. ClinVar contains an entry for this variant (Variation ID: 534249). Advanced modeling of protein sequence and biophysical properties (such as structural, functional, and spatial information, amino acid conservation, physicochemical variation, residue mobility, and thermodynamic stability) performed at Invitae indicates that this missense variant is expected to disrupt CHRNE protein function with a positive predictive value of 95%. For these reasons, this variant has been classified as Pathogenic.

Oxford Medical Genetics Laboratories, Oxford University Hospitals NHS Foundation Trust
Classification: Pathogenic for Congenital myasthenic syndrome 4C. Last evaluated: 2023-03-23. Review status: criteria provided, single submitter. Criteria: ACMG Guidelines, 2015. Collection method: clinical testing. Allele origin: biparental. Affected: yes. Observed: 1 homozygote.

Lifecell International Pvt. Ltd
Classification: Likely pathogenic for Congenital myasthenic syndrome 4A. Review status: criteria provided, single submitter. Criteria: ACMG Guidelines, 2015. Collection method: clinical testing. Allele origin: germline. Inheritance: Autosomal dominant inheritance. Affected: yes. Observed: 1 heterozygote.
Comment: A Heterozygous Missense variant c.293T>C in Exon 4 of the CHRNE gene that results in the amino acid substitution p.Leu98Pro was identified. The observed variant allele frequency of 0.00002/0.00 % in gnomAD exomes and genomes, respectively. The severity of the impact of this variant on the protein is medium, based on the effect of the protein and REVEL score. Rare Exome Variant Ensemble Learner (REVEL) is an ensembl method for predicting the pathogenicity of missense variants based on a combination of scores from 13 individual tools: MutPred, FATHMM v2.3, VEST 3.0, PolyPhen-2, SIFT, PROVEAN, MutationAssessor, MutationTaster, LRT, GERP++, SiPhy, phyloP, and phastCons. The REVEL score for an individual missense variant can range from 0 to 1, with higher scores reflecting greater likelihood that the variant is disease-causing. ClinVar has also classified this variant as Likely Pathogenic (ClinVar ID: 534249). This missense change has been observed in individual(s) with congenital myasthenic syndrome (Selvam P et al., 2018). Based on the above evidence this variant has been classified as Likely Pathogenic according to the ACMG guidelines.

Literature cited by the submitters: PubMed 29478601 (cited by Women's Health and Genetics/Laboratory Corporation of America, LabCorp); PubMed 37721175 (cited by Women's Health and Genetics/Laboratory Corporation of America, LabCorp and Natera, Inc.); PubMed 12141316 (cited by Women's Health and Genetics/Laboratory Corporation of America, LabCorp); PubMed 37946251 (cited by Women's Health and Genetics/Laboratory Corporation of America, LabCorp and Natera, Inc.); PubMed 30124556 (cited by 4 submitters); PubMed 15907919 (cited by Women's Health and Genetics/Laboratory Corporation of America, LabCorp); PubMed 14592868 (cited by Women's Health and Genetics/Laboratory Corporation of America, LabCorp); PubMed 15951177 (cited by Women's Health and Genetics/Laboratory Corporation of America, LabCorp); PubMed 19688192 (cited by Women's Health and Genetics/Laboratory Corporation of America, LabCorp); PubMed 15229798 (cited by Women's Health and Genetics/Laboratory Corporation of America, LabCorp); PubMed 19153382 (cited by Women's Health and Genetics/Laboratory Corporation of America, LabCorp); PubMed 20222328 (cited by Women's Health and Genetics/Laboratory Corporation of America, LabCorp); PubMed 15367858 (cited by Women's Health and Genetics/Laboratory Corporation of America, LabCorp); PubMed 16685696 (cited by Women's Health and Genetics/Laboratory Corporation of America, LabCorp); PubMed 15034283 (cited by Women's Health and Genetics/Laboratory Corporation of America, LabCorp); PubMed 15731194 (cited by Women's Health and Genetics/Laboratory Corporation of America, LabCorp); PubMed 35466404 (cited by Women's Health and Genetics/Laboratory Corporation of America, LabCorp).